The following is an entry in ClinVar:

ClinVar aggregate classification (germline): Pathogenic (1 of 4 stars; one submission).

Conditions:
Neurofibromatosis, type 1 (NF1). Also called: VON RECKLINGHAUSEN DISEASE; NEUROFIBROMATOSIS, TYPE I, SOMATIC; Peripheral type neurofibromatosis; Neurofibromatosis, type I. Identifiers: Orphanet 636, MedGen C0027831, MONDO:0018975, OMIM 162200. Disease mechanism: loss of function.

Submission:

Labcorp Genetics (formerly Invitae), Labcorp
Classification: Pathogenic for Neurofibromatosis, type 1. Last evaluated: 2023-11-11. Review status: criteria provided, single submitter. Criteria: Invitae Variant Classification Sherloc (09022015). Collection method: clinical testing. Allele origin: germline.
Comment: This sequence change creates a premature translational stop signal (p.Ala1071Glufs*6) in the NF1 gene. It is expected to result in an absent or disrupted protein product. Loss-of-function variants in NF1 are known to be pathogenic (PMID: 10712197, 23913538). This variant is not present in population databases (gnomAD no frequency). This premature translational stop signal has been observed in individual(s) with NF1-related conditions (PMID: 31776437). ClinVar contains an entry for this variant (Variation ID: 657966). For these reasons, this variant has been classified as Pathogenic.

Literature cited by the submitters: PubMed 10712197; PubMed 23913538; PubMed 31776437.

NM_001042492.3(NF1):c.3212del (p.Ala1071fs)

Gene: NF1 (neurofibromin 1; plus strand). Cytogenetic location: 17q11.2.
Variant type: Deletion.
Coding change: c.3212del on transcript NM_001042492.3 (MANE Select); coding-DNA position 3212, one base deleted (C; older notation c.3212delC).
Protein change: p.Ala1071fs; shifts the reading frame from alanine 1071.
Molecular consequence: frameshift variant.
Genome position (GRCh38, 1-based): chr17:31,232,087, C deleted. VCF-style (leftmost placement, unchanged base first): chr17-31232086-GC-G. GRCh37 (hg19) VCF-style: chr17-29559104-GC-G.
Other names: c.3212delC (NM_000267.3); c.3212delC, p.Ala1071Glufs (NM_000267.4); short protein forms A1071fs.
Identifiers: ClinVar variation 657966 (VCV000657966.5), dbSNP rs1597718735, ClinGen allele CA915949868.
Genomic context (GRCh38, chr17:31,232,086, plus strand): 5'-AGATTCATGGTCTCTAAATTTTTTTTTTTTTTTTTTTTTTTTTTCAGAGATTTGGACCAG[GC>G]AAGCATGGAAGCAGTAGTTTCACTTCTAGCTGGTCTCCCTCTGCAGCCTGAAGAAGGAGA-3'